The following is an entry in ClinVar:

ClinVar aggregate classification (germline): Uncertain significance (1 of 4 stars; one submission).

Conditions:
Norman-Roberts syndrome (LIS2). Also called: Lissencephaly 2 (Norman-Roberts type). Identifiers: Orphanet 89844, MedGen C0796089, MONDO:0009760, OMIM 257320.
Familial temporal lobe epilepsy 7. Identifiers: Orphanet 101046, MedGen C4225327, MONDO:0014639, OMIM 616436.

Submission:

Labcorp Genetics (formerly Invitae), Labcorp
Classification: Uncertain significance for Familial temporal lobe epilepsy 7; Norman-Roberts syndrome. Last evaluated: 2022-01-13. Review status: criteria provided, single submitter. Criteria: Invitae Variant Classification Sherloc (09022015). Collection method: clinical testing. Allele origin: germline.
Comment: In summary, the available evidence is currently insufficient to determine the role of this variant in disease. Therefore, it has been classified as a Variant of Uncertain Significance. Algorithms developed to predict the effect of missense changes on protein structure and function are either unavailable or do not agree on the potential impact of this missense change (SIFT: "Tolerated"; PolyPhen-2: "Possibly Damaging"; Align-GVGD: "Class C0"). This variant has not been reported in the literature in individuals affected with RELN-related conditions. This variant is not present in population databases (gnomAD no frequency). This sequence change replaces phenylalanine, which is neutral and non-polar, with leucine, which is neutral and non-polar, at codon 1451 of the RELN protein (p.Phe1451Leu).

NM_005045.4(RELN):c.4353C>G (p.Phe1451Leu)

Gene: RELN (reelin; minus strand). Cytogenetic location: 7q22.1.
Variant type: single nucleotide variant.
Coding change: c.4353C>G on transcript NM_005045.4 (MANE Select); coding-DNA position 4353, C replaced by G.
Protein change: p.Phe1451Leu; replaces phenylalanine 1451 with leucine.
Molecular consequence: missense variant.
Genome position (GRCh38, 1-based): chr7:103,574,250, G>C on the plus strand (C>G on the coding strand, the complement: RELN is on the minus strand). VCF-style: chr7-103574250-G-C. GRCh37 (hg19) VCF-style: chr7-103214697-G-C.
Other names: c.4353C>G, p.Phe1451Leu (NM_173054.3); short protein forms F1451L.
Identifiers: ClinVar variation 1358855 (VCV001358855.8), dbSNP rs370743731, ClinGen allele CA368751177.